The following is an entry in ClinVar:

ClinVar aggregate classification (germline): Pathogenic (1 of 4 stars; one submission).

Conditions:
Hereditary cancer-predisposing syndrome. Also called: Tumor predisposition; Hereditary neoplastic syndrome; Neoplastic Syndromes, Hereditary; Hereditary Cancer Syndrome. Identifiers: Orphanet 140162, MedGen C0027672, MeSH D009386, MONDO:0015356.

Submission:

Ambry Genetics
Classification: Pathogenic for Hereditary cancer-predisposing syndrome. Last evaluated: 2025-06-10. Review status: criteria provided, single submitter. Criteria: Ambry Variant Classification Scheme 2023. Collection method: clinical testing. Allele origin: germline.
Comment: The p.E699* pathogenic mutation (also known as c.2095G>T), located in coding exon 7 of the AXIN2 gene, results from a G to T substitution at nucleotide position 2095. This changes the amino acid from a glutamic acid to a stop codon within coding exon 7. This variant was reported in individual(s) with features consistent with oligodontia-cancer predisposition syndrome (Ambry internal data). This variant is considered to be rare based on population cohorts in the Genome Aggregation Database (gnomAD). This alteration is expected to result in loss of function by premature protein truncation or nonsense-mediated mRNA decay. As such, this alteration is interpreted as a disease-causing mutation.

NM_004655.4(AXIN2):c.2095G>T (p.Glu699Ter)

Gene: AXIN2 (axin 2; minus strand). Cytogenetic location: 17q24.1.
Variant type: single nucleotide variant.
Coding change: c.2095G>T on transcript NM_004655.4 (MANE Select); coding-DNA position 2095, G replaced by T.
Protein change: p.Glu699Ter; replaces glutamic acid 699 with a stop codon.
Molecular consequence: nonsense.
Genome position (GRCh38, 1-based): chr17:65,536,366, C>A on the plus strand (G>T on the coding strand, the complement: AXIN2 is on the minus strand). VCF-style: chr17-65536366-C-A. GRCh37 (hg19) VCF-style: chr17-63532484-C-A.
Other names: c.1900G>T, p.Glu634Ter (NM_001363813.1); short protein forms E634*, E699*.
Identifiers: ClinVar variation 3981294 (VCV003981294.1).